The following is an entry in ClinVar:

ClinVar aggregate classification (germline): Pathogenic (1 of 4 stars; one submission).

gnomAD v4.1: 6 of 1,614,190 alleles (0.00037%); highest among the groups gnomAD compares: Admixed American, 0.0017%; no homozygotes.

Submission:

Labcorp Genetics (formerly Invitae), Labcorp
Classification: Pathogenic. Last evaluated: 2025-12-15. Review status: criteria provided, single submitter. Criteria: Invitae Variant Classification Sherloc (09022015). Collection method: clinical testing. Allele origin: germline.
Comment: This sequence change creates a premature translational stop signal (p.Arg275*) in the RDH5 gene. While this is not anticipated to result in nonsense mediated decay, it is expected to disrupt the last 44 amino acid(s) of the RDH5 protein. This variant is present in population databases (rs762740262, gnomAD 0.003%). This variant has not been reported in the literature in individuals affected with RDH5-related conditions. Algorithms developed to predict the effect of sequence changes on RNA splicing suggest that this variant may create or strengthen a splice site. This variant disrupts a region of the RDH5 protein in which other variant(s) (p.Leu310delinsGluVal) have been determined to be pathogenic (PMID: 11053295, 11675386, 15007239, 28393863). This suggests that this is a clinically significant region of the protein, and that variants that disrupt it are likely to be disease-causing. For these reasons, this variant has been classified as Pathogenic.

Literature cited by the submitters: PubMed 11053295; PubMed 11675386; PubMed 15007239; PubMed 28393863.

NM_002905.5(RDH5):c.823C>T (p.Arg275Ter)

Genes: BLOC1S1-RDH5 (BLOC1S1-RDH5 readthrough; plus strand), CD63 (CD63 molecule; minus strand), RDH5 (retinol dehydrogenase 5; plus strand). Cytogenetic location: 12q13.2.
Variant type: single nucleotide variant.
Coding change: c.823C>T on transcript NM_002905.5 (MANE Select); coding-DNA position 823, C replaced by T.
Protein change: p.Arg275Ter; replaces arginine 275 with a stop codon.
Molecular consequence: nonsense. On other transcripts: non-coding transcript variant (1), 3 prime UTR variant (2).
Genome position (GRCh38, 1-based): chr12:55,724,411, C>T. VCF-style: chr12-55724411-C-T. GRCh37 (hg19) VCF-style: chr12-56118195-C-T.
Other names: c.823C>T, p.Arg275Ter (NM_001199771.3); c.*653G>A (NM_001413284.1); c.*668G>A (NM_001413285.1); short protein forms R275*.
Identifiers: ClinVar variation 4695068 (VCV004695068.1).